The following is an entry in ClinVar:

NM_004565.3(PEX14):c.937G>A (p.Val313Met)

Gene: PEX14 (peroxisomal biogenesis factor 14; plus strand). Cytogenetic location: 1p36.22.
Variant type: single nucleotide variant.
Coding change: c.937G>A on transcript NM_004565.3 (MANE Select); coding-DNA position 937, G replaced by A.
Protein change: p.Val313Met; replaces valine 313 with methionine.
Molecular consequence: missense variant.
Genome position (GRCh38, 1-based): chr1:10,629,790, G>A. VCF-style: chr1-10629790-G-A. GRCh37 (hg19) VCF-style: chr1-10689847-G-A.
Other names: short protein forms V313M.
Identifiers: ClinVar variation 2083922 (VCV002083922.4), dbSNP rs1178472997, ClinGen allele CA338339096.

ClinVar aggregate classification (germline): Uncertain significance (1 of 4 stars; one submission).

Conditions:
Peroxisome biogenesis disorder, complementation group K (CGK). Identifiers: MedGen C1866257, MONDO:0800365.

Submission:

Labcorp Genetics (formerly Invitae), Labcorp
Classification: Uncertain significance for Peroxisome biogenesis disorder, complementation group K. Last evaluated: 2022-04-20. Review status: criteria provided, single submitter. Criteria: Invitae Variant Classification Sherloc (09022015). Collection method: clinical testing. Allele origin: germline.
Comment: In summary, the available evidence is currently insufficient to determine the role of this variant in disease. Therefore, it has been classified as a Variant of Uncertain Significance. Algorithms developed to predict the effect of missense changes on protein structure and function are either unavailable or do not agree on the potential impact of this missense change (SIFT: "Deleterious"; PolyPhen-2: "Probably Damaging"; Align-GVGD: "Class C0"). This variant has not been reported in the literature in individuals affected with PEX14-related conditions. This variant is not present in population databases (gnomAD no frequency). This sequence change replaces valine, which is neutral and non-polar, with methionine, which is neutral and non-polar, at codon 313 of the PEX14 protein (p.Val313Met).